The following is an entry in ClinVar:

NM_000043.6(FAS):c.78A>G (p.Gln26=)

Gene: FAS (Fas cell surface death receptor; plus strand). Cytogenetic location: 10q23.31.
Variant type: single nucleotide variant.
Coding change: c.78A>G on transcript NM_000043.6 (MANE Select); coding-DNA position 78, A replaced by G.
Protein change: p.Gln26=; no amino-acid change (glutamine 26 retained).
Molecular consequence: synonymous variant. On other transcripts: non-coding transcript variant (7).
Genome position (GRCh38, 1-based): chr10:89,003,076, A>G. VCF-style: chr10-89003076-A-G. GRCh37 (hg19) VCF-style: chr10-90762833-A-G.
Other names: c.78A>G, p.Gln26= (NM_001320619.2, NM_152871.4, NM_152872.4).
Identifiers: ClinVar variation 878041 (VCV000878041.11), dbSNP rs746017530, ClinGen allele CA5593027.

ClinVar aggregate classification (germline): Benign/Likely benign. Review status: criteria provided, multiple submitters, no conflicts (2 of 4 stars). 2 submissions from 2 submitters: Benign (1); Likely benign (1). Last evaluated 2025-06-22.

Conditions:
Autoimmune lymphoproliferative syndrome type 1. Also called: AUTOIMMUNE LYMPHOPROLIFERATIVE SYNDROME, TYPE I, AUTOSOMAL DOMINANT. Identifiers: Orphanet 3261, MedGen C2717884, MONDO:0011158, OMIM 601859.

Allele frequency attached by ClinVar (database versions not stated): TOPMed 0.00001; gnomAD 0.00001 and 0.00002; gnomAD exomes 0.00001; ExAC 0.00002.
gnomAD v4.1: 19 of 1,614,022 alleles (0.0012%); highest among the groups gnomAD compares: East Asian, 0.038%; no homozygotes.

Submissions (2):

Labcorp Genetics (formerly Invitae), Labcorp
Classification: Likely benign for Autoimmune lymphoproliferative syndrome. Last evaluated: 2025-06-22. Review status: criteria provided, single submitter. Criteria: Invitae Variant Classification Sherloc (09022015). Collection method: clinical testing. Allele origin: germline.

Illumina Laboratory Services, Illumina
Classification: Benign for Autoimmune lymphoproliferative syndrome type 1. Last evaluated: 2018-01-13. Review status: criteria provided, single submitter. Criteria: ICSL Variant Classification Criteria 13 December 2019. Collection method: clinical testing. Allele origin: germline.
Comment: This variant was observed in the ICSL laboratory as part of a predisposition screen in an ostensibly healthy population. It had not been previously curated by ICSL or reported in the Human Gene Mutation Database (HGMD: prior to June 1st, 2018), and was therefore a candidate for classification through an automated scoring system. Utilizing variant allele frequency, disease prevalence and penetrance estimates, and inheritance mode, an automated score was calculated to assess if this variant is too frequent to cause the disease. Based on the score and internal cut-off values, a variant classified as benign is not then subjected to further curation. The score for this variant resulted in a classification of benign for this disease.